The following is an entry in ClinVar:

NM_001134407.3(GRIN2A):c.*2769_*2774del

Gene: GRIN2A (glutamate ionotropic receptor NMDA type subunit 2A; minus strand). Cytogenetic location: 16p13.2.
Variant type: Deletion.
Coding change: c.*2769_*2774del on transcript NM_001134407.3 (MANE Select); 2769 bases downstream of the stop codon through 2774 bases downstream of the stop codon, 6 bases deleted (AAAAAA; older notation c.*2769_*2774delAAAAAA).
Molecular consequence: 3 prime UTR variant.
Genome position (GRCh38, 1-based): chr16:9,760,375-9,760,380, TTTTTT deleted on the plus strand (AAAAAA on the coding strand, the reverse complement: GRIN2A is on the minus strand); deleting any 6 consecutive bases within chr16:9,760,375-9,760,398 gives the same sequence; the c. name uses the placement nearest the transcript's 3' end. VCF-style (leftmost placement, unchanged base first): chr16-9760374-ATTTTTT-A. GRCh37 (hg19) VCF-style: chr16-9854231-ATTTTTT-A.
Other names: c.*2769_*2774del (NM_000833.5); c.*2975_*2980del (NM_001134408.2).
Identifiers: ClinVar variation 1701281 (VCV001701281.31), dbSNP rs35189803, ClinGen allele CA725877832.

ClinVar aggregate classification (germline): Benign (1 of 4 stars; one submission).

Submission:

CeGaT Center for Human Genetics Tuebingen
Classification: Benign. Last evaluated: 2022-07-01. Review status: criteria provided, single submitter. Criteria: CeGaT Center For Human Genetics Tuebingen Variant Classification Criteria Version 2. Collection method: clinical testing. Allele origin: germline. Affected: yes. Observed: 1 variant allele.
Comment: GRIN2A: BS1, BS2